The following is an entry in ClinVar:

NM_025179.4(PLXNA2):c.867G>T (p.Lys289Asn)

Gene: PLXNA2 (plexin A2; minus strand). Cytogenetic location: 1q32.2.
Variant type: single nucleotide variant.
Coding change: c.867G>T on transcript NM_025179.4 (MANE Select); coding-DNA position 867, G replaced by T.
Protein change: p.Lys289Asn; replaces lysine 289 with asparagine.
Molecular consequence: missense variant.
Genome position (GRCh38, 1-based): chr1:208,217,056, C>A on the plus strand (G>T on the coding strand, the complement: PLXNA2 is on the minus strand). VCF-style: chr1-208217056-C-A. GRCh37 (hg19) VCF-style: chr1-208390401-C-A.
Other names: short protein forms K289N.
Identifiers: ClinVar variation 4991538 (VCV004991538.1).

ClinVar aggregate classification (germline): Uncertain significance (1 of 4 stars; one submission).

Conditions:
PLXNA2-related disorder. Also called: PLXNA2-related condition.

gnomAD v4.1: 2 of 1,613,398 alleles (0.00012%); highest among the groups gnomAD compares: Non-Finnish European, 0.00017%; no homozygotes.

Submission:

PreventionGenetics, part of Exact Sciences
Classification: Uncertain significance for PLXNA2-related condition. Last evaluated: 2025-10-09. Review status: criteria provided, single submitter. Criteria: ACMG Guidelines, 2015. Collection method: clinical testing. Allele origin: germline.
Comment: The PLXNA2 c.867G>T variant is predicted to result in the amino acid substitution p.Lys289Asn. To our knowledge, this variant has not been reported in the literature or in a large population database (gnomAD), indicating this variant is rare. At this time, the clinical significance of this variant is uncertain due to the absence of conclusive functional and genetic evidence.